The following is an entry in ClinVar:

ClinVar aggregate classification (germline): Uncertain significance. Review status: criteria provided, multiple submitters, no conflicts (2 of 4 stars). 2 submissions from 2 submitters: Uncertain significance (2). Last evaluated 2025-09-01.

Conditions:
Episodic ataxia type 1 (EA1). Also called: ATAXIA, EPISODIC, WITH MYOKYMIA; MYOKYMIA WITH PERIODIC ATAXIA; PAROXYSMAL ATAXIA WITH NEUROMYOTONIA, HEREDITARY; Episodic ataxia/myokymia syndrome. Identifiers: Orphanet 37612, Orphanet 972, MedGen C1719788, MONDO:0008047, OMIM 160120.

Allele frequency attached by ClinVar (database versions not stated): gnomAD exomes below 0.00001; ExAC 0.00001.

Submissions (2):

CeGaT Center for Human Genetics Tuebingen
Classification: Uncertain significance. Last evaluated: 2025-09-01. Review status: criteria provided, single submitter. Criteria: CeGaT Center For Human Genetics Tuebingen Variant Classification Criteria Version 2. Collection method: clinical testing. Allele origin: germline. Affected: yes. Observed: 1 variant allele.
Comment: KCNA1: PM2

Labcorp Genetics (formerly Invitae), Labcorp
Classification: Uncertain significance for Episodic ataxia type 1. Last evaluated: 2023-01-19. Review status: criteria provided, single submitter. Criteria: Invitae Variant Classification Sherloc (09022015). Collection method: clinical testing. Allele origin: germline.
Comment: In summary, the available evidence is currently insufficient to determine the role of this variant in disease. Therefore, it has been classified as a Variant of Uncertain Significance. Advanced modeling of protein sequence and biophysical properties (such as structural, functional, and spatial information, amino acid conservation, physicochemical variation, residue mobility, and thermodynamic stability) performed at Invitae indicates that this missense variant is not expected to disrupt KCNA1 protein function. This variant has not been reported in the literature in individuals affected with KCNA1-related conditions. This variant is present in population databases (rs768113136, gnomAD 0.006%). This sequence change replaces lysine, which is basic and polar, with arginine, which is basic and polar, at codon 118 of the KCNA1 protein (p.Lys118Arg).

NM_000217.3(KCNA1):c.353A>G (p.Lys118Arg)

Gene: KCNA1 (potassium voltage-gated channel subfamily A member 1; plus strand). Cytogenetic location: 12p13.32.
Variant type: single nucleotide variant.
Coding change: c.353A>G on transcript NM_000217.3 (MANE Select); coding-DNA position 353, A replaced by G.
Protein change: p.Lys118Arg; replaces lysine 118 with arginine.
Molecular consequence: missense variant.
Genome position (GRCh38, 1-based): chr12:4,911,731, A>G. VCF-style: chr12-4911731-A-G. GRCh37 (hg19) VCF-style: chr12-5020897-A-G.
Other names: short protein forms K118R.
Identifiers: ClinVar variation 2903132 (VCV002903132.10), dbSNP rs768113136, ClinGen allele CA6399372.
Genomic context (GRCh38, chr12:4,911,731, plus strand): 5'-CCGGCGGCCGCCTGCGGAGGCCGGTCAACGTGCCCCTGGACATGTTCTCCGAGGAGATCA[A>G]GTTTTACGAGTTGGGCGAGGAGGCCATGGAGAAGTTCCGGGAGGACGAGGGCTTCATCAA-3'
Protein context (NP_000208.2, residues 108-128): VPLDMFSEEI[Lys118Arg]FYELGEEAME